The following is an entry in ClinVar:

NM_003128.3(SPTBN1):c.6315G>A (p.Pro2105=)

Gene: SPTBN1 (spectrin beta, non-erythrocytic 1; plus strand). Cytogenetic location: 2p16.2.
Variant type: single nucleotide variant.
Coding change: c.6315G>A on transcript NM_003128.3 (MANE Select); coding-DNA position 6315, G replaced by A.
Protein change: p.Pro2105=; no amino-acid change (proline 2105 retained).
Molecular consequence: synonymous variant.
Genome position (GRCh38, 1-based): chr2:54,659,225, G>A. VCF-style: chr2-54659225-G-A. GRCh37 (hg19) VCF-style: chr2-54886362-G-A.
Other names: c.6276G>A, p.Pro2092= (NM_178313.3).
Identifiers: ClinVar variation 3353591 (VCV003353591.1).

ClinVar aggregate classification (germline): Likely benign (0 of 4 stars; one submission).

Conditions:
SPTBN1-related disorder. Also called: SPTBN1-related condition.

gnomAD v4.1: 30 of 1,613,962 alleles (0.0019%); highest among the groups gnomAD compares: East Asian, 0.013%; no homozygotes.

Submission:

PreventionGenetics, part of Exact Sciences
Classification: Likely benign for SPTBN1-related condition. Last evaluated: 2024-07-16. Review status: no assertion criteria provided. Collection method: clinical testing. Allele origin: germline.
Comment: This variant is classified as likely benign based on ACMG/AMP sequence variant interpretation guidelines (Richards et al. 2015 PMID: 25741868, with internal and published modifications).